The following is an entry in ClinVar:

NM_004304.5(ALK):c.1879A>G (p.Asn627Asp)

Gene: ALK (ALK receptor tyrosine kinase; minus strand). Cytogenetic location: 2p23.2.
Variant type: single nucleotide variant.
Coding change: c.1879A>G on transcript NM_004304.5 (MANE Select); coding-DNA position 1879, A replaced by G.
Protein change: p.Asn627Asp; replaces asparagine 627 with aspartic acid.
Molecular consequence: missense variant.
Genome position (GRCh38, 1-based): chr2:29,275,435, T>C on the plus strand (A>G on the coding strand, the complement: ALK is on the minus strand). VCF-style: chr2-29275435-T-C. GRCh37 (hg19) VCF-style: chr2-29498301-T-C.
Other names: short protein forms N627D.
Identifiers: ClinVar variation 1781837 (VCV001781837.6), dbSNP rs1665516024, ClinGen allele CA346479924.

ClinVar aggregate classification (germline): Conflicting classifications of pathogenicity. Review status: criteria provided, conflicting classifications (1 of 4 stars). 2 submissions from 2 submitters: Uncertain significance (1); Likely benign (1). Last evaluated 2026-01-18.

Conditions:
Neuroblastoma, susceptibility to, 3. Also called: ALK-Related Neuroblastic Tumor Susceptibility. Identifiers: Orphanet 635, MedGen C2751681, MONDO:0013083, OMIM 613014.
Hereditary cancer-predisposing syndrome. Also called: Tumor predisposition; Neoplastic Syndromes, Hereditary; Hereditary Cancer Syndrome; Hereditary neoplastic syndrome. Identifiers: Orphanet 140162, MedGen C0027672, MeSH D009386, MONDO:0015356.

Allele frequency attached by ClinVar (database versions not stated): gnomAD exomes below 0.00001.
gnomAD v4.1: 1 of 1,614,064 alleles (0.000062%); highest among the groups gnomAD compares: African/African-American, 0.0013%; no homozygotes.

Submissions (2):

Labcorp Genetics (formerly Invitae), Labcorp
Classification: Uncertain significance for Neuroblastoma, susceptibility to, 3. Last evaluated: 2026-01-18. Review status: criteria provided, single submitter. Criteria: Invitae Variant Classification Sherloc (09022015). Collection method: clinical testing. Allele origin: germline.
Comment: This sequence change replaces asparagine, which is neutral and polar, with aspartic acid, which is acidic and polar, at codon 627 of the ALK protein (p.Asn627Asp). This variant is not present in population databases (gnomAD no frequency). This variant has not been reported in the literature in individuals affected with ALK-related conditions. ClinVar contains an entry for this variant (Variation ID: 1781837). An algorithm developed to predict the effect of missense changes on protein structure and function (PolyPhen-2) suggests that this variant is likely to be disruptive. In summary, the available evidence is currently insufficient to determine the role of this variant in disease. Therefore, it has been classified as a Variant of Uncertain Significance.

Ambry Genetics
Classification: Likely benign for Hereditary cancer-predisposing syndrome. Last evaluated: 2025-07-31. Review status: criteria provided, single submitter. Criteria: Ambry Variant Classification Scheme 2023. Collection method: clinical testing. Allele origin: germline.